The following is an entry in ClinVar:

ClinVar aggregate classification (germline): Benign/Likely benign. Review status: criteria provided, multiple submitters, no conflicts (2 of 4 stars). 3 submissions from 3 submitters: Benign (1); Likely benign (1). 1 of the submissions does not count toward it. Last evaluated 2026-07-22.

Conditions:
Inborn genetic diseases. Identifiers: MedGen C0950123, MeSH D030342.
FMN2-related disorder. Also called: FMN2-related condition.

Submissions (3):

Ambry Genetics
Classification: Benign for Inborn genetic diseases. Last evaluated: 2026-07-22. Review status: criteria provided, single submitter. Criteria: Ambry Variant Classification Scheme 2023. Collection method: clinical testing. Allele origin: germline.

CeGaT Center for Human Genetics Tuebingen
Classification: Likely benign. Last evaluated: 2023-08-01. Review status: criteria provided, single submitter. Criteria: CeGaT Center For Human Genetics Tuebingen Variant Classification Criteria Version 2. Collection method: clinical testing. Allele origin: germline. Affected: yes. Observed: 1 variant allele.
Comment: FMN2: PM4, BS2

PreventionGenetics, part of Exact Sciences
Classification: Benign for FMN2-related condition. Last evaluated: 2019-10-31. Review status: no assertion criteria provided. Collection method: clinical testing. Allele origin: germline. Not counted in ClinVar's aggregate classification.
Comment: This variant is classified as benign based on ACMG/AMP sequence variant interpretation guidelines (Richards et al. 2015 PMID: 25741868, with internal and published modifications).

NM_020066.5(FMN2):c.3339ACCCGGAGCGGGCATACCCCCTCCTCCCCCTCT[1] (p.1115GAGIPPPPPLP[2])

Gene: FMN2 (formin 2; plus strand). Cytogenetic location: 1q43.
Variant type: Microsatellite.
Coding change: c.3339ACCCGGAGCGGGCATACCCCCTCCTCCCCCTCT[1] on transcript NM_020066.5 (MANE Select); one copy of the 33-base unit ACCCGGAGCGGGCATACCCCCTCCTCCCCCTCT starting at c.3339; the reference has two copies in a row; one copy, 33 bases deleted.
Protein change: p.1115GAGIPPPPPLP[2].
Molecular consequence: inframe deletion. On other transcripts: intron variant (1).
Genome position (GRCh38, 1-based): chr1:240,208,184-240,208,216, 33 bases deleted; deleting any 33 consecutive bases within chr1:240,208,143-240,208,216 gives the same sequence; the position shown is the placement nearest the transcript's 3' end. GRCh37 (hg19), VCF-style position (the base before the change): chr1:240,371,442.
Other names: c.3372_3404del33 (NM_020066.4); c.3351ACCCGGAGCGGGCATACCCCCTCCTCCCCCTCT[1], p.1119GAGIPPPPPLP[2] (NM_001305424.2); c.1986+19922_1986+19954del (NM_001348094.2).
Identifiers: ClinVar variation 2640184 (VCV002640184.26), dbSNP rs1553341707, ClinGen allele CA1477097.